The following is an entry in ClinVar:

NM_001164508.2(NEB):c.10154A>G (p.Lys3385Arg)

Gene: NEB (nebulin; minus strand). Cytogenetic location: 2q23.3.
Variant type: single nucleotide variant.
Coding change: c.10154A>G on transcript NM_001164508.2 (MANE Select); coding-DNA position 10154, A replaced by G.
Protein change: p.Lys3385Arg; replaces lysine 3385 with arginine.
Molecular consequence: missense variant.
Genome position (GRCh38, 1-based): chr2:151,627,195, T>C on the plus strand (A>G on the coding strand, the complement: NEB is on the minus strand). VCF-style: chr2-151627195-T-C. GRCh37 (hg19) VCF-style: chr2-152483709-T-C.
Other names: c.10154A>G, p.Lys3385Arg (NM_001164507.2, NM_001271208.2); c.9425A>G, p.Lys3142Arg (NM_004543.5); short protein forms K3142R, K3385R.
Identifiers: ClinVar variation 1056811 (VCV001056811.8), dbSNP rs186278440, ClinGen allele CA1909099.

ClinVar aggregate classification (germline): Uncertain significance. Review status: criteria provided, single submitter (1 of 4 stars). 2 submissions from 2 submitters: Uncertain significance (1). 1 of the submissions does not count toward it. Last evaluated 2022-02-04.

Conditions:
Nemaline myopathy 2 (NEM2). Also called: Nemaline myopathy 2, autosomal recessive. Identifiers: MedGen C1850569, MONDO:0009725, OMIM 256030.

Allele frequency attached by ClinVar (database versions not stated): gnomAD exomes below 0.00001; ExAC 0.00001; gnomAD 0.00001; TOPMed 0.00001; 1000 Genomes Project 30x 0.00016; 1000 Genomes Project 0.00020.

Submissions (2):

Labcorp Genetics (formerly Invitae), Labcorp
Classification: Uncertain significance for Nemaline myopathy 2. Last evaluated: 2022-02-04. Review status: criteria provided, single submitter. Criteria: Invitae Variant Classification Sherloc (09022015). Collection method: clinical testing. Allele origin: germline.
Comment: This sequence change replaces lysine, which is basic and polar, with arginine, which is basic and polar, at codon 3385 of the NEB protein (p.Lys3385Arg). This variant is present in population databases (rs186278440, gnomAD 0.007%). This variant has not been reported in the literature in individuals affected with NEB-related conditions. ClinVar contains an entry for this variant (Variation ID: 1056811). Algorithms developed to predict the effect of missense changes on protein structure and function are either unavailable or do not agree on the potential impact of this missense change (SIFT: "Deleterious"; PolyPhen-2: "Not Available"; Align-GVGD: "Class C0"). Algorithms developed to predict the effect of sequence changes on RNA splicing suggest that this variant may create or strengthen a splice site. In summary, the available evidence is currently insufficient to determine the role of this variant in disease. Therefore, it has been classified as a Variant of Uncertain Significance.

Natera, Inc.
Classification: Uncertain significance for Nemaline myopathy type 2. Last evaluated: 2020-09-08. Review status: no assertion criteria provided. Collection method: clinical testing. Allele origin: germline. Not counted in ClinVar's aggregate classification.